The following is an entry in ClinVar:

NM_002430.3(MN1):c.242G>C (p.Gly81Ala)

Gene: MN1 (MN1 proto-oncogene, transcriptional regulator; minus strand). Cytogenetic location: 22q12.1.
Variant type: single nucleotide variant.
Coding change: c.242G>C on transcript NM_002430.3 (MANE Select); coding-DNA position 242, G replaced by C.
Protein change: p.Gly81Ala; replaces glycine 81 with alanine.
Molecular consequence: missense variant.
Genome position (GRCh38, 1-based): chr22:27,800,302, C>G on the plus strand (G>C on the coding strand, the complement: MN1 is on the minus strand). VCF-style: chr22-27800302-C-G. GRCh37 (hg19) VCF-style: chr22-28196290-C-G.
Other names: short protein forms G81A.
Identifiers: ClinVar variation 2653034 (VCV002653034.25), dbSNP rs201422000, ClinGen allele CA10166605.

ClinVar aggregate classification (germline): Likely benign. Review status: criteria provided, multiple submitters, no conflicts (2 of 4 stars). 2 submissions from 2 submitters: Likely benign (2). Last evaluated 2025-11-01.

Allele frequency attached by ClinVar (database versions not stated): 1000 Genomes Project 0.00040; 1000 Genomes Project 30x 0.00078; TOPMed 0.00108; ESP Exome Variant Server 0.00155; gnomAD 0.00190; ExAC 0.00211.
gnomAD v4.1: 2,377 of 1,577,122 alleles (0.15%); highest among the groups gnomAD compares: Non-Finnish European, 0.14%; 8 homozygotes.

Submissions (2):

CeGaT Center for Human Genetics Tuebingen
Classification: Likely benign. Last evaluated: 2025-11-01. Review status: criteria provided, single submitter. Criteria: CeGaT Center For Human Genetics Tuebingen Variant Classification Criteria Version 2. Collection method: clinical testing. Allele origin: germline. Affected: yes. Observed: 10 variant alleles.
Comment: MN1: BS1

Blueprint Genetics
Classification: Likely benign. Last evaluated: 2024-11-22. Review status: criteria provided, single submitter. Criteria: ACMG Guidelines, 2015. Collection method: clinical testing. Allele origin: germline.